The following is an entry in ClinVar:

ClinVar aggregate classification (germline): Uncertain significance (1 of 4 stars; one submission).

Conditions:
Cardiovascular phenotype. Identifiers: MedGen CN230736.

Submission:

Ambry Genetics
Classification: Uncertain significance for Cardiovascular phenotype. Last evaluated: 2023-03-18. Review status: criteria provided, single submitter. Criteria: Ambry Variant Classification Scheme 2023. Collection method: clinical testing. Allele origin: germline.
Comment: The p.P395L variant (also known as c.1184C>T), located in coding exon 2 of the GDF2 gene, results from a C to T substitution at nucleotide position 1184. The proline at codon 395 is replaced by leucine, an amino acid with similar properties. This amino acid position is highly conserved in available vertebrate species. Since supporting evidence is limited at this time, the clinical significance of this alteration remains unclear.

NM_016204.4(GDF2):c.1184C>T (p.Pro395Leu)

Gene: GDF2 (growth differentiation factor 2; plus strand). Cytogenetic location: 10q11.22.
Variant type: single nucleotide variant.
Coding change: c.1184C>T on transcript NM_016204.4 (MANE Select); coding-DNA position 1184, C replaced by T.
Protein change: p.Pro395Leu; replaces proline 395 with leucine.
Molecular consequence: missense variant.
Genome position (GRCh38, 1-based): chr10:47,325,678, C>T. VCF-style: chr10-47325678-C-T. GRCh37 (hg19) VCF-style: chr10-48413684-G-A.
Other names: short protein forms P395L.
Identifiers: ClinVar variation 2448315 (VCV002448315.3), dbSNP rs2549020218, ClinGen allele CA376658430.